The following is an entry in ClinVar:

ClinVar aggregate classification (germline): Likely benign (1 of 4 stars; one submission).

Allele frequency attached by ClinVar (database versions not stated): 1000 Genomes Project 0.00040.

Submission:

CeGaT Center for Human Genetics Tuebingen
Classification: Likely benign. Last evaluated: 2023-09-01. Review status: criteria provided, single submitter. Criteria: CeGaT Center For Human Genetics Tuebingen Variant Classification Criteria Version 2. Collection method: clinical testing. Allele origin: germline. Affected: yes. Observed: 1 variant allele.
Comment: ADGRE2: BP4, BP7

NM_013447.4(ADGRE2):c.420C>G (p.Leu140=)

Gene: ADGRE2 (adhesion G protein-coupled receptor E2; minus strand). Cytogenetic location: 19p13.12.
Variant type: single nucleotide variant.
Coding change: c.420C>G on transcript NM_013447.4 (MANE Select); coding-DNA position 420, C replaced by G.
Protein change: p.Leu140=; no amino-acid change (leucine 140 retained).
Molecular consequence: synonymous variant. On other transcripts: intron variant (1).
Genome position (GRCh38, 1-based): chr19:14,767,045, G>C on the plus strand (C>G on the coding strand, the complement: ADGRE2 is on the minus strand). VCF-style: chr19-14767045-G-C. GRCh37 (hg19) VCF-style: chr19-14877857-G-C.
Other names: c.420C>G, p.Leu140= (NM_001271052.1, NM_152916.2); c.356-1241C>G (NM_152917.2).
Identifiers: ClinVar variation 2649425 (VCV002649425.24), dbSNP rs10418770, ClinGen allele CA9258183.